The following is an entry in ClinVar:

ClinVar aggregate classification (germline): Benign. Review status: criteria provided, single submitter (1 of 4 stars). 2 submissions from 2 submitters: Benign (1). 1 of the submissions does not count toward it. Last evaluated 2024-01-26.

Conditions:
KMT2D-related disorder. Also called: KMT2D-Related Disorders.
Kabuki syndrome. Also called: Kabuki make-up syndrome; NIIKAWA-KUROKI SYNDROME. Identifiers: Orphanet 2322, MedGen C0796004, MONDO:0016512.

gnomAD v4.1: 2 of 1,613,536 alleles (0.00012%); highest among the groups gnomAD compares: Admixed American, 0.0017%; no homozygotes.

Submissions (2):

Labcorp Genetics (formerly Invitae), Labcorp
Classification: Benign for Kabuki syndrome. Last evaluated: 2024-01-26. Review status: criteria provided, single submitter. Criteria: Invitae Variant Classification Sherloc (09022015). Collection method: clinical testing. Allele origin: germline.

PreventionGenetics, part of Exact Sciences
Classification: Uncertain significance for KMT2D-related condition. Last evaluated: 2024-08-12. Review status: no assertion criteria provided. Collection method: clinical testing. Allele origin: germline. Not counted in ClinVar's aggregate classification.
Comment: The KMT2D c.11150A>G variant is predicted to result in the amino acid substitution p.Gln3717Arg. To our knowledge, this variant has not been reported in the literature. This variant is reported in 0.010% of alleles in individuals of Ashkenazi Jewish descent in gnomAD. At this time, the clinical significance of this variant is uncertain due to the absence of conclusive functional and genetic evidence.

NM_003482.4(KMT2D):c.11150A>G (p.Gln3717Arg)

Gene: KMT2D (lysine methyltransferase 2D; minus strand). Cytogenetic location: 12q13.12.
Variant type: single nucleotide variant.
Coding change: c.11150A>G on transcript NM_003482.4 (MANE Select); coding-DNA position 11150, A replaced by G.
Protein change: p.Gln3717Arg; replaces glutamine 3717 with arginine.
Molecular consequence: missense variant.
Genome position (GRCh38, 1-based): chr12:49,033,555, T>C on the plus strand (A>G on the coding strand, the complement: KMT2D is on the minus strand). VCF-style: chr12-49033555-T-C. GRCh37 (hg19) VCF-style: chr12-49427338-T-C.
Other names: c.11150A>G (NM_003482.3); short protein forms Q3717R.
Identifiers: ClinVar variation 1521482 (VCV001521482.9), dbSNP rs398123705, ClinGen allele CA236640947.
Genomic context (GRCh38, chr12:49,033,555, plus strand): 5'-TGCTGCTGCAGTTTCTGGGCCAGCTGCATACGTTGCTGCTGCAGCTGCAGCTGCCTTTCC[T>C]GTAAAAGCCTTGAATCAGGTCCGAGGCTTCGAAGAGCAAGGTTGCCAGGGAAGAAGCCCC-3'
Protein context (NP_003473.3, residues 3707-3727): RSLGPDSRLL[Gln3717Arg]ERQLQLQQQR